The following is an entry in ClinVar:

ClinVar aggregate classification (germline): Uncertain significance (1 of 4 stars; one submission).

Conditions:
Fanconi anemia (FA). Also called: Fanconi's anemia. Identifiers: Orphanet 84, MedGen C0015625, MeSH D005199, MONDO:0019391.

Submission:

Labcorp Genetics (formerly Invitae), Labcorp
Classification: Uncertain significance for Fanconi anemia. Last evaluated: 2022-04-20. Review status: criteria provided, single submitter. Criteria: Invitae Variant Classification Sherloc (09022015). Collection method: clinical testing. Allele origin: germline.
Comment: In summary, the available evidence is currently insufficient to determine the role of this variant in disease. Therefore, it has been classified as a Variant of Uncertain Significance. Algorithms developed to predict the effect of missense changes on protein structure and function are either unavailable or do not agree on the potential impact of this missense change (SIFT: "Deleterious"; PolyPhen-2: "Benign"; Align-GVGD: "Class C0"). This variant has not been reported in the literature in individuals affected with FANCM-related conditions. This variant is not present in population databases (gnomAD no frequency). This sequence change replaces glutamic acid, which is acidic and polar, with lysine, which is basic and polar, at codon 1870 of the FANCM protein (p.Glu1870Lys).

NM_020937.4(FANCM):c.5608G>A (p.Glu1870Lys)

Gene: FANCM (FA complementation group M; plus strand). Cytogenetic location: 14q21.2.
Variant type: single nucleotide variant.
Coding change: c.5608G>A on transcript NM_020937.4 (MANE Select); coding-DNA position 5608, G replaced by A.
Protein change: p.Glu1870Lys; replaces glutamic acid 1870 with lysine.
Molecular consequence: missense variant.
Genome position (GRCh38, 1-based): chr14:45,196,439, G>A. VCF-style: chr14-45196439-G-A. GRCh37 (hg19) VCF-style: chr14-45665642-G-A.
Other names: c.5530G>A, p.Glu1844Lys (NM_001308133.2); short protein forms E1844K, E1870K.
Identifiers: ClinVar variation 2128263 (VCV002128263.4), dbSNP rs2503270780, ClinGen allele CA389586229.